The following is an entry in ClinVar:

NM_006506.5(RASA2):c.320A>G (p.Tyr107Cys)

Gene: RASA2 (RAS p21 protein activator 2; plus strand). Cytogenetic location: 3q23.
Variant type: single nucleotide variant.
Coding change: c.320A>G on transcript NM_006506.5 (MANE Select); coding-DNA position 320, A replaced by G.
Protein change: p.Tyr107Cys; replaces tyrosine 107 with cysteine.
Molecular consequence: missense variant.
Genome position (GRCh38, 1-based): chr3:141,516,396, A>G. VCF-style: chr3-141516396-A-G. GRCh37 (hg19) VCF-style: chr3-141235238-A-G.
Other names: c.320A>G, p.Tyr107Cys (NM_001303245.3, NM_001303246.3); short protein forms Y107C.
Identifiers: ClinVar variation 3225606 (VCV003225606.1), dbSNP rs2478461192, ClinGen allele CA354781013.

ClinVar aggregate classification (germline): Uncertain significance (1 of 4 stars; one submission).

Submission:

Ambry Genetics
Classification: Uncertain significance. Last evaluated: 2023-09-24. Review status: criteria provided, single submitter. Criteria: Ambry Variant Classification Scheme 2023. Collection method: clinical testing. Allele origin: germline.
Comment: The p.Y107C variant (also known as c.320A>G), located in coding exon 3 of the RASA2 gene, results from an A to G substitution at nucleotide position 320. The tyrosine at codon 107 is replaced by cysteine, an amino acid with highly dissimilar properties. This amino acid position is conserved. In addition, this alteration is predicted to be deleterious by in silico analysis. Since supporting evidence is limited at this time, the clinical significance of this alteration remains unclear.